The following is an entry in ClinVar:

NM_014363.6(SACS):c.12697G>T (p.Glu4233Ter)

Gene: SACS (sacsin molecular chaperone; minus strand). Cytogenetic location: 13q12.12.
Variant type: single nucleotide variant.
Coding change: c.12697G>T on transcript NM_014363.6 (MANE Select); coding-DNA position 12697, G replaced by T.
Protein change: p.Glu4233Ter; replaces glutamic acid 4233 with a stop codon.
Molecular consequence: nonsense.
Genome position (GRCh38, 1-based): chr13:23,331,179, C>A on the plus strand (G>T on the coding strand, the complement: SACS is on the minus strand). VCF-style: chr13-23331179-C-A. GRCh37 (hg19) VCF-style: chr13-23905318-C-A.
Other names: c.12256G>T, p.Glu4086Ter (NM_001278055.2); short protein forms E4086*, E4233*.
Identifiers: ClinVar variation 4061140 (VCV004061140.2).

ClinVar aggregate classification (germline): Likely pathogenic (1 of 4 stars; one submission).

Conditions:
Charlevoix-Saguenay spastic ataxia (SACS). Also called: AUTOSOMAL RECESSIVE SPASTIC ATAXIA OF CHARLEVOIX-SAGUENAY; Spastic ataxia of Charlevoix-Saguenay; SPASTIC ATAXIA 6, AUTOSOMAL RECESSIVE. Identifiers: Orphanet 98, MedGen C1849140, MONDO:0010041, OMIM 270550.

Submission:

Natera, Inc.
Classification: Likely pathogenic for Charlevoix-Saguenay type spastic ataxia. Last evaluated: 2025-02-18. Review status: criteria provided, single submitter. Criteria: Natera Variant Classification Schema (03/2026). Collection method: clinical testing. Allele origin: germline.
Comment: The c.12697G>T variant in SACS is a nonsense variant predicted to introduce a stop codon at amino acid 4233. This variant is expected to result in nonsense mediated decay, truncation, or a dysfunctional protein product. This variant is rare in the general population with a frequency below the threshold expected for the associated phenotype(s). Given the available evidence, this variant is classified as Likely Pathogenic.